The following is an entry in ClinVar:

ClinVar aggregate classification (germline): Uncertain significance. Review status: criteria provided, multiple submitters, no conflicts (2 of 4 stars). 2 submissions from 2 submitters: Uncertain significance (2). Last evaluated 2024-12-17.

Allele frequency attached by ClinVar (database versions not stated): ExAC 0.00002; ESP Exome Variant Server 0.00008.
gnomAD v4.1: 37 of 1,613,682 alleles (0.0023%); highest among the groups gnomAD compares: South Asian, 0.037%; no homozygotes.

Submissions (2):

Labcorp Genetics (formerly Invitae), Labcorp
Classification: Uncertain significance. Last evaluated: 2024-12-17. Review status: criteria provided, single submitter. Criteria: Invitae Variant Classification Sherloc (09022015). Collection method: clinical testing. Allele origin: germline.
Comment: This sequence change replaces threonine, which is neutral and polar, with lysine, which is basic and polar, at codon 335 of the CAPN5 protein (p.Thr335Lys). This variant is present in population databases (rs370006806, gnomAD 0.03%). This variant has not been reported in the literature in individuals affected with CAPN5-related conditions. ClinVar contains an entry for this variant (Variation ID: 1932929). Invitae Evidence Modeling of protein sequence and biophysical properties (such as structural, functional, and spatial information, amino acid conservation, physicochemical variation, residue mobility, and thermodynamic stability) has been performed for this missense variant. However, the output from this modeling did not meet the statistical confidence thresholds required to predict the impact of this variant on CAPN5 protein function. In summary, the available evidence is currently insufficient to determine the role of this variant in disease. Therefore, it has been classified as a Variant of Uncertain Significance.

Blueprint Genetics
Classification: Uncertain significance. Last evaluated: 2020-09-24. Review status: criteria provided, single submitter. Criteria: ACMG Guidelines, 2015. Collection method: clinical testing. Allele origin: germline.

NM_004055.5(CAPN5):c.1004C>A (p.Thr335Lys)

Gene: CAPN5 (calpain 5; plus strand). Cytogenetic location: 11q13.5.
Variant type: single nucleotide variant.
Coding change: c.1004C>A on transcript NM_004055.5 (MANE Select); coding-DNA position 1004, C replaced by A.
Protein change: p.Thr335Lys; replaces threonine 335 with lysine.
Molecular consequence: missense variant.
Genome position (GRCh38, 1-based): chr11:77,118,189, C>A. VCF-style: chr11-77118189-C-A. GRCh37 (hg19) VCF-style: chr11-76829235-C-A.
Other names: short protein forms T335K.
Identifiers: ClinVar variation 1932929 (VCV001932929.6), dbSNP rs370006806, ClinGen allele CA6196659.